The following is an entry in ClinVar:

ClinVar aggregate classification (germline): Uncertain significance. Review status: reviewed by expert panel (3 of 4 stars). 2 submissions from 2 submitters: Uncertain significance (1). 1 of the submissions does not count toward it. Last evaluated 2026-03-24.

Conditions:
ABCA4-related retinopathy. Also called: ABCA4-related retinoapthy; ABCA4 retinoapthy. Identifiers: MedGen CN322612, MONDO:0800406.

Submissions (2):

ClinGen ABCA4 Variant Curation Expert Panel, Clingen
Classification: Uncertain significance for ABCA4-related retinopathy. Last evaluated: 2026-03-24. Review status: reviewed by expert panel. Criteria: ClinGen ABCA4 ACMG Specifications V1.0.0. Collection method: curation. Allele origin: germline. Inheritance: Autosomal recessive inheritance.
Comment: The NM_000350.3(ABCA4):c.6289C>A variant in ABCA4 is a missense variant predicted to cause substitution of proline by threonine at amino acid 2097 (p.Pro2097Thr). This variant is absent from gnomAD v4.1.0 meeting PM2_Supporting. The computational predictor REVEL gives a score of 0.917 which is above the threshold of >0.772, evidence that predicts a damaging effect on ABCA4 function meeting PP3_Moderate. Another missense variant, c.6289C>T; p.Pro2097Ser, in the same codon has been classified as pathogenic for ABCA4-related retinopathy by the ClinGen ACBA4 VCEP, and Splice AI revealed no expected effects on splicing meeting PM5. To our knowledge, this variant has not been reported in the literature in any individuals with ABCA4-related retinopathy. In summary, this variant meets the criteria to be classified as a VUS for ABCA4-related retinopathy based on the ACMG/AMP criteria applied, as specified by the ClinGen ABCA4 VCEP: PM2_Supporting, PP3_Moderate, PM5.

Labcorp Genetics (formerly Invitae), Labcorp
Classification: Likely pathogenic. Last evaluated: 2023-05-18. Review status: criteria provided, single submitter. Criteria: Invitae Variant Classification Sherloc (09022015). Collection method: clinical testing. Allele origin: germline. Not counted in ClinVar's aggregate classification.
Comment: This variant has not been reported in the literature in individuals affected with ABCA4-related conditions. In summary, the currently available evidence indicates that the variant is pathogenic, but additional data are needed to prove that conclusively. Therefore, this variant has been classified as Likely Pathogenic. This variant disrupts the p.Pro2097 amino acid residue in ABCA4. Other variant(s) that disrupt this residue have been determined to be pathogenic (PMID: 25474345, 26780318). This suggests that this residue is clinically significant, and that variants that disrupt this residue are likely to be disease-causing. Advanced modeling of protein sequence and biophysical properties (such as structural, functional, and spatial information, amino acid conservation, physicochemical variation, residue mobility, and thermodynamic stability) performed at Invitae indicates that this missense variant is expected to disrupt ABCA4 protein function. This variant is not present in population databases (gnomAD no frequency). This sequence change replaces proline, which is neutral and non-polar, with threonine, which is neutral and polar, at codon 2097 of the ABCA4 protein (p.Pro2097Thr).

Literature cited by the submitters: PubMed 25474345 (cited by Labcorp Genetics (formerly Invitae), Labcorp); PubMed 26780318 (cited by Labcorp Genetics (formerly Invitae), Labcorp).

NM_000350.3(ABCA4):c.6289C>A (p.Pro2097Thr)

Gene: ABCA4 (ATP binding cassette subfamily A member 4; minus strand). Cytogenetic location: 1p22.1.
Variant type: single nucleotide variant.
Coding change: c.6289C>A on transcript NM_000350.3 (MANE Select); coding-DNA position 6289, C replaced by A.
Protein change: p.Pro2097Thr; replaces proline 2097 with threonine.
Molecular consequence: missense variant.
Genome position (GRCh38, 1-based): chr1:94,001,099, G>T on the plus strand (C>A on the coding strand, the complement: ABCA4 is on the minus strand). VCF-style: chr1-94001099-G-T. GRCh37 (hg19) VCF-style: chr1-94466655-G-T.
Other names: NM_000350.3(ABCA4):c.6289C>A; p.Pro2097Thr; c.6067C>A, p.Pro2023Thr (NM_001425324.1); short protein forms P2023T, P2097T.
Identifiers: ClinVar variation 2865406 (VCV002865406.4), dbSNP rs1166357291, ClinGen allele CA341277624.